The following is an entry in ClinVar:

ClinVar aggregate classification (germline): Pathogenic. Review status: reviewed by expert panel (3 of 4 stars). 11 submissions from 10 submitters: Pathogenic (1). 10 of the submissions do not count toward it. Last evaluated 2023-12-30.

Conditions:
PAH-related disorder. Also called: PAH-related condition.
Phenylketonuria (PKU). Also called: FOLLING DISEASE; Phenylketonurias; OLIGOPHRENIA PHENYLPYRUVICA; Phenylketonuria (PKU). Identifiers: Orphanet 716, MedGen C0031485, MONDO:0009861, OMIM 261600. Disease mechanism: loss of function.

Submissions (11):

ClinGen PAH Variant Curation Expert Panel
Classification: Pathogenic for Phenylketonuria. Last evaluated: 2023-12-30. Review status: reviewed by expert panel. Criteria: ClinGen PAH ACMG Specifications v1. Collection method: curation. Allele origin: germline. Inheritance: Autosomal recessive inheritance.
Comment: The c.664_665del (p.Asp222Ter) variant in PAH is a nonsense variant in exon 6 of 13, with nonsense mediated decay predicted to occur (PVS1). This variant was detected in at least one patient with mild PKU where BH4 deficiency was excluded by analysis of neopterin and biopterin in urine and measurement of dihydropteridine reductase activity in dried blood spots (PMID:16290003, PP4_moderate). It was found to co-occur (phase unknown) with the pathogenic variant IVS10-3C>T (PM3_supporting). This deletion has a MAF of 0.00003874 in the European (non-Finnish) population in GnomAD v2.1.1 (PM2_supporting). Therefore this variant is classified as Pathogenic by the PAH VCEP; PAH-specific ACMG/AMP criteria applied: PVS1, PP4_moderate, PM2_supporting, PM3_supporting.

Labcorp Genetics (formerly Invitae), Labcorp
Classification: Pathogenic for Phenylketonuria. Last evaluated: 2026-01-11. Review status: criteria provided, single submitter. Criteria: Invitae Variant Classification Sherloc (09022015). Collection method: clinical testing. Allele origin: germline. Not counted in ClinVar's aggregate classification.
Comment: This sequence change creates a premature translational stop signal (p.Asp222*) in the PAH gene. It is expected to result in an absent or disrupted protein product. Loss-of-function variants in PAH are known to be pathogenic (PMID: 1301187, 9634518). This variant is present in population databases (rs759154440, gnomAD 0.004%). This premature translational stop signal has been observed in individual(s) with phenylketonuria (PMID: 18937047, 24350308, 26666653). ClinVar contains an entry for this variant (Variation ID: 133249). Algorithms developed to predict the effect of sequence changes on RNA splicing suggest that this variant may disrupt the consensus splice site. For these reasons, this variant has been classified as Pathogenic.

Natera, Inc.
Classification: Pathogenic for Phenylketonuria. Last evaluated: 2025-12-02. Review status: criteria provided, single submitter. Criteria: Natera Variant Classification Schema (03/2026). Collection method: clinical testing. Allele origin: germline. Not counted in ClinVar's aggregate classification.
Comment: The c.664_665delGA variant in PAH is a frameshift variant predicted to shift the reading frame and introduce a stop codon. This variant is expected to result in nonsense mediated decay, truncation, or a dysfunctional protein product. This variant is rare in the general population with a frequency below the threshold expected for the associated phenotype(s). This variant has been observed in one or more individuals affected with the associated recessive disease, as either homozygous or compound heterozygous with a second variant (PMID: 26666653, 33101986). Given the available evidence, this variant is classified as Pathogenic.

Mayo Clinic Laboratories, Mayo Clinic
Classification: Pathogenic. Last evaluated: 2023-10-17. Review status: criteria provided, single submitter. Criteria: ACMG Guidelines, 2015. Collection method: clinical testing. Allele origin: germline. Observed: 2 variant alleles. Not counted in ClinVar's aggregate classification.
Comment: PM2_moderate, PM3, PS3, PS4_moderate, PVS1

Blueprint Genetics
Classification: Pathogenic for PAH-related disorders. Last evaluated: 2023-04-26. Review status: criteria provided, single submitter. Criteria: ACMG Guidelines, 2015. Collection method: clinical testing. Allele origin: germline. Affected: yes. Observed: 1 variant allele. Not counted in ClinVar's aggregate classification.

Fulgent Genetics
Classification: Pathogenic for Phenylketonuria. Last evaluated: 2021-07-07. Review status: criteria provided, single submitter. Criteria: ACMG Guidelines, 2015. Collection method: clinical testing. Allele origin: unknown. Not counted in ClinVar's aggregate classification.

CeGaT Center for Human Genetics Tuebingen
Classification: Pathogenic. Last evaluated: 2019-07-01. Review status: criteria provided, single submitter. Criteria: CeGaT Center For Human Genetics Tuebingen Variant Classification Criteria Version 2. Collection method: clinical testing. Allele origin: germline. Affected: yes. Observed: 1 variant allele. Not counted in ClinVar's aggregate classification.

Women's Health and Genetics/Laboratory Corporation of America, LabCorp
Classification: Pathogenic for Phenylketonuria. Last evaluated: 2018-12-20. Review status: criteria provided, single submitter. Criteria: LabCorp Variant Classification Summary - May 2015. Collection method: clinical testing. Allele origin: germline. Not counted in ClinVar's aggregate classification.
Comment: Variant summary: PAH c.664_665delGA (p.Asp222X) results in a premature termination codon, predicted to cause a truncation of the encoded protein or absence of the protein due to nonsense mediated decay, which are commonly known mechanisms for disease. The variant allele was found at a frequency of 1.8e-05 in 277080 control chromosomes (gnomAD). c.664_665delGA has been reported in the literature in multiple individuals affected with Phenylalanine Hydroxylase Deficiency (Phenylketonuria) with limited residual activity <10% (Bayat_2016, Zurfluh_2008). These data indicate that the variant is very likely to be associated with disease. No clinical diagnostic laboratories have submitted clinical-significance assessments for this variant to ClinVar after 2014. Based on the evidence outlined above, the variant was classified as pathogenic.

Counsyl
Classification: Likely pathogenic for Phenylketonuria. Last evaluated: 2014-04-23. Review status: no assertion criteria provided. Collection method: literature only. Allele origin: unknown. Inheritance: Autosomal recessive inheritance. Not counted in ClinVar's aggregate classification.

DeBelle Laboratory for Biochemical Genetics, MUHC/MCH RESEARCH INSTITUTE
No classification provided. Review status: no classification provided. Collection method: not provided. Allele origin: not provided. Not counted in ClinVar's aggregate classification.

DeBelle Laboratory for Biochemical Genetics, MUHC/MCH RESEARCH INSTITUTE
No classification provided. Review status: flagged submission. Collection method: not provided. Allele origin: not provided. Not counted in ClinVar's aggregate classification.
ClinVar note: Reason: This record appears to be redundant with a more recent record from the same submitter.
ClinVar note: Notes: SCV000119630 appears to be redundant with SCV000154685.

Literature cited by the submitters: PubMed 1301187 (cited by Labcorp Genetics (formerly Invitae), Labcorp); PubMed 9634518 (cited by Labcorp Genetics (formerly Invitae), Labcorp); PubMed 18937047 (cited by 3 submitters); PubMed 24350308 (cited by Labcorp Genetics (formerly Invitae), Labcorp and Counsyl); PubMed 26666653 (cited by 3 submitters); PubMed 33101986 (cited by Natera, Inc. and Mayo Clinic Laboratories, Mayo Clinic); PubMed 17935162 (cited by 3 submitters); PubMed 23357515 (cited by Mayo Clinic Laboratories, Mayo Clinic and Counsyl); PubMed 30668579 (cited by Mayo Clinic Laboratories, Mayo Clinic); PubMed 30963030 (cited by Mayo Clinic Laboratories, Mayo Clinic); PubMed 26542770 (cited by Women's Health and Genetics/Laboratory Corporation of America, LabCorp); PubMed 10394930 (cited by Counsyl); PubMed 23074961 (cited by Counsyl); PubMed 8406445 (cited by Counsyl).

NM_000277.3(PAH):c.664_665del (p.Glu221_Asp222insTer)

Gene: PAH (phenylalanine hydroxylase; minus strand). Cytogenetic location: 12q23.2.
Variant type: Deletion.
Coding change: c.664_665del on transcript NM_000277.3 (MANE Select); coding-DNA positions 664 to 665, 2 bases deleted (GA; older notation c.664_665delGA).
Protein change: p.Glu221_Asp222insTer.
Molecular consequence: nonsense.
Genome position (GRCh38, 1-based): chr12:102,855,177-102,855,178, TC deleted on the plus strand (GA on the coding strand, the reverse complement: PAH is on the minus strand); deleting any 2 consecutive bases within chr12:102,855,177-102,855,179 gives the same sequence; the c. name uses the placement nearest the transcript's 3' end. VCF-style (leftmost placement, unchanged base first): chr12-102855176-ATC-A. GRCh37 (hg19) VCF-style: chr12-103248954-ATC-A.
Other names: NM_000277.1:c.664-665delGA; NM_000277.3(PAH):c.664_665del; p.Glu221_Asp222insTer; p.Asp222*; c.664_665del, p.Glu221_Asp222insTer (NM_001354304.2); c.664_665delGA (NM_000277.2); c.664_665del (NM_000277.1).
Identifiers: ClinVar variation 133249 (VCV000133249.62), dbSNP rs62514936, ClinGen allele CA229678.
Genomic context (GRCh38, chr12:102,855,176, plus strand): 5'-TGACCCTGATGTGGACTTACTCTGCAGGAACTGAGAAACGTCTTCCAGCTGGGGAATGTT[ATC>A]TTCATGGAAGCCACAGTACTTTTCAAGAAGTGGAAAAATGTGATTGTACTCATAGCAAGC-3'